The following is an entry in ClinVar:

NM_005076.5(CNTN2):c.3046C>T (p.Arg1016Cys)

Gene: CNTN2 (contactin 2; plus strand). Cytogenetic location: 1q32.1.
Variant type: single nucleotide variant.
Coding change: c.3046C>T on transcript NM_005076.5 (MANE Select); coding-DNA position 3046, C replaced by T.
Protein change: p.Arg1016Cys; replaces arginine 1016 with cysteine.
Molecular consequence: missense variant. On other transcripts: non-coding transcript variant (1).
Genome position (GRCh38, 1-based): chr1:205,073,688, C>T. VCF-style: chr1-205073688-C-T. GRCh37 (hg19) VCF-style: chr1-205042816-C-T.
Other names: c.3046C>T, p.Arg1016Cys (NM_001346083.2); c.3046C>T (NM_005076.3); short protein forms R1016C.
Identifiers: ClinVar variation 2163314 (VCV002163314.2), dbSNP rs764275222, ClinGen allele CA1351865.

ClinVar aggregate classification (germline): Conflicting classifications of pathogenicity. Review status: criteria provided, conflicting classifications (1 of 4 stars). 2 submissions from 2 submitters: Uncertain significance (1); Likely benign (1). Last evaluated 2025-09-30.

Conditions:
Epilepsy, familial adult myoclonic, 5 (EPEO5). Also called: CORTICAL MYOCLONIC TREMOR WITH EPILEPSY, FAMILIAL, 5. Identifiers: Orphanet 86814, MedGen C3809374, MONDO:0014167, OMIM 615400.

Allele frequency attached by ClinVar (database versions not stated): TOPMed 0.00003; gnomAD exomes 0.00002; ExAC 0.00001; gnomAD 0.00002.
gnomAD v4.1: 27 of 1,613,852 alleles (0.0017%); highest among the groups gnomAD compares: African/African-American, 0.004%; no homozygotes.

Submissions (2):

Ambry Genetics
Classification: Likely benign. Last evaluated: 2025-09-30. Review status: criteria provided, single submitter. Criteria: Ambry Variant Classification Scheme 2023. Collection method: clinical testing. Allele origin: germline.

Labcorp Genetics (formerly Invitae), Labcorp
Classification: Uncertain significance for Epilepsy, familial adult myoclonic, 5. Last evaluated: 2022-06-04. Review status: criteria provided, single submitter. Criteria: Invitae Variant Classification Sherloc (09022015). Collection method: clinical testing. Allele origin: germline.
Comment: This sequence change replaces arginine, which is basic and polar, with cysteine, which is neutral and slightly polar, at codon 1016 of the CNTN2 protein (p.Arg1016Cys). This variant is present in population databases (rs764275222, gnomAD 0.008%). This variant has not been reported in the literature in individuals affected with CNTN2-related conditions. Advanced modeling of protein sequence and biophysical properties (such as structural, functional, and spatial information, amino acid conservation, physicochemical variation, residue mobility, and thermodynamic stability) performed at Invitae indicates that this missense variant is not expected to disrupt CNTN2 protein function. In summary, the available evidence is currently insufficient to determine the role of this variant in disease. Therefore, it has been classified as a Variant of Uncertain Significance.